The following is an entry in ClinVar:

NM_001040108.2(MLH3):c.4306G>C (p.Glu1436Gln)

Gene: MLH3 (mutL homolog 3; minus strand). Cytogenetic location: 14q24.3.
Variant type: single nucleotide variant.
Coding change: c.4306G>C on transcript NM_001040108.2 (MANE Select); coding-DNA position 4306, G replaced by C.
Protein change: p.Glu1436Gln; replaces glutamic acid 1436 with glutamine.
Molecular consequence: missense variant.
Genome position (GRCh38, 1-based): chr14:75,017,138, C>G on the plus strand (G>C on the coding strand, the complement: MLH3 is on the minus strand). VCF-style: chr14-75017138-C-G. GRCh37 (hg19) VCF-style: chr14-75483841-C-G.
Other names: c.4234G>C, p.Glu1412Gln (NM_014381.3); short protein forms E1412Q, E1436Q.
Identifiers: ClinVar variation 4055446 (VCV004055446.1).

ClinVar aggregate classification (germline): Uncertain significance (1 of 4 stars; one submission).

Submission:

Ambry Genetics
Classification: Uncertain significance. Last evaluated: 2025-03-15. Review status: criteria provided, single submitter. Criteria: Ambry Variant Classification Scheme 2023. Collection method: clinical testing. Allele origin: germline.
Comment: The p.E1436Q variant (also known as c.4306G>C), located in coding exon 12 of the MLH3 gene, results from a G to C substitution at nucleotide position 4306. The glutamic acid at codon 1436 is replaced by glutamine, an amino acid with highly similar properties. This amino acid position is conserved. In addition, this alteration is predicted to be tolerated by in silico analysis. Based on the available evidence, the clinical significance of this variant remains unclear.